The following is an entry in ClinVar:

NM_000548.5(TSC2):c.258G>A (p.Ala86=)

Gene: TSC2 (TSC complex subunit 2; plus strand). Cytogenetic location: 16p13.3.
Variant type: single nucleotide variant.
Coding change: c.258G>A on transcript NM_000548.5 (MANE Select); coding-DNA position 258, G replaced by A.
Protein change: p.Ala86=; no amino-acid change (alanine 86 retained).
Molecular consequence: synonymous variant. On other transcripts: intron variant (2).
Genome position (GRCh38, 1-based): chr16:2,053,374, G>A. VCF-style: chr16-2053374-G-A. GRCh37 (hg19) VCF-style: chr16-2103375-G-A.
Other names: c.258G>A, p.Ala86= (NM_001077183.3, NM_001114382.3, NM_001363528.2 and 3 more transcripts); c.111G>A, p.Ala37= (NM_001318829.2); c.291G>A, p.Ala97= (NM_001318832.2); c.226-922G>A (NM_001318827.2); c.-1-2822G>A (NM_001318831.2); c.258G>A (NM_000548.4).
Identifiers: ClinVar variation 64887 (VCV000064887.24), dbSNP rs397514912, ClinGen allele CA017702.

ClinVar aggregate classification (germline): Benign/Likely benign. Review status: criteria provided, multiple submitters, no conflicts (2 of 4 stars). 11 submissions from 11 submitters: Benign (6); Likely benign (3). 2 of the submissions do not count toward it. Last evaluated 2026-01-30.

Conditions:
TSC2-related disorder. Also called: TSC2-Related Disorders; TSC2-related condition.
Hereditary cancer-predisposing syndrome. Also called: Tumor predisposition; Neoplastic Syndromes, Hereditary; Hereditary neoplastic syndrome; Hereditary Cancer Syndrome. Identifiers: Orphanet 140162, MedGen C0027672, MeSH D009386, MONDO:0015356.
Tuberous sclerosis syndrome (TSC). Also called: Tuberous Sclerosis Complex; Tuberous sclerosis. Identifiers: Orphanet 805, MedGen C0041341, MONDO:0001734.
Tuberous sclerosis 2 (TSC2). Identifiers: Orphanet 805, MedGen C1860707, MONDO:0013199, OMIM 613254.

Allele frequency attached by ClinVar (database versions not stated): gnomAD 0.00003 and 0.00004; TOPMed 0.00003; 1000 Genomes Project 30x 0.00016; 1000 Genomes Project 0.00020; ExAC 0.00032.
gnomAD v4.1: 98 of 1,591,450 alleles (0.0062%); highest among the groups gnomAD compares: South Asian, 0.03%; 1 homozygote.

Submissions (11):

Labcorp Genetics (formerly Invitae), Labcorp
Classification: Benign for Tuberous sclerosis 2. Last evaluated: 2026-01-30. Review status: criteria provided, single submitter. Criteria: Invitae Variant Classification Sherloc (09022015). Collection method: clinical testing. Allele origin: germline.

Myriad Genetics, Inc.
Classification: Benign for Tuberous sclerosis 2. Last evaluated: 2025-05-02. Review status: criteria provided, single submitter. Criteria: Myriad Autosomal Dominant, Autosomal Recessive and X-Linked Classification Criteria (2023). Collection method: clinical testing. Allele origin: unknown.
Comment: This variant is considered benign. This variant is a silent/synonymous amino acid change and it is not expected to impact splicing.

Blueprint Genetics
Classification: Likely benign. Last evaluated: 2024-09-04. Review status: criteria provided, single submitter. Criteria: ACMG Guidelines, 2015. Collection method: clinical testing. Allele origin: germline.

All of Us Research Program, National Institutes of Health
Classification: Benign for Tuberous sclerosis syndrome. Last evaluated: 2023-12-13. Review status: criteria provided, single submitter. Criteria: ACMG Guidelines, 2015. Collection method: clinical testing. Allele origin: germline. Inheritance: Autosomal dominant inheritance. Observed: 13 variant alleles, 13 heterozygotes.
Comment: This study involves interpretation of variants in research participants for the purpose of population health screening. Participant phenotype was not available at the time of variant classification. Additional details can be found in publication PMID: 35346344, PMCID: PMC8962531

Color Diagnostics, LLC DBA Color Health
Classification: Benign for Tuberous sclerosis syndrome. Last evaluated: 2022-09-09. Review status: criteria provided, single submitter. Criteria: ACMG Guidelines, 2015. Collection method: clinical testing. Allele origin: germline.

Genome-Nilou Lab
Classification: Benign for Tuberous sclerosis 2. Last evaluated: 2021-11-07. Review status: criteria provided, single submitter. Criteria: ACMG Guidelines, 2015. Collection method: clinical testing. Allele origin: germline. Affected: no.

Sema4
Classification: Likely benign for Hereditary cancer-predisposing syndrome. Last evaluated: 2020-07-31. Review status: criteria provided, single submitter. Criteria: Sema4 Curation Guidelines. Collection method: curation. Allele origin: germline.

Ambry Genetics
Classification: Likely benign for Hereditary cancer-predisposing syndrome. Last evaluated: 2020-03-16. Review status: criteria provided, single submitter. Criteria: Ambry Variant Classification Scheme 2023. Collection method: clinical testing. Allele origin: germline.

GeneDx
Classification: Benign. Last evaluated: 2015-07-27. Review status: criteria provided, single submitter. Criteria: GeneDx Variant Classification (06012015). Collection method: clinical testing. Allele origin: germline. Affected: yes.
Comment: This variant is considered likely benign or benign based on one or more of the following criteria: it is a conservative change, it occurs at a poorly conserved position in the protein, it is predicted to be benign by multiple in silico algorithms, and/or has population frequency not consistent with disease.

PreventionGenetics, part of Exact Sciences
Classification: Likely benign for TSC2-related condition. Last evaluated: 2024-08-07. Review status: no assertion criteria provided. Collection method: clinical testing. Allele origin: germline. Not counted in ClinVar's aggregate classification.
Comment: This variant is classified as likely benign based on ACMG/AMP sequence variant interpretation guidelines (Richards et al. 2015 PMID: 25741868, with internal and published modifications).

Tuberous sclerosis database (TSC2)
No classification provided. Condition: TSC. Review status: no classification provided. Criteria: Tuberous Sclerosis Database Assertion Criteria 2015. Collection method: curation. Allele origin: germline. Affected: yes. Not counted in ClinVar's aggregate classification.